The following is an entry in ClinVar:

ClinVar aggregate classification (germline): Likely benign (1 of 4 stars; one submission).

gnomAD v4.1: 18 of 1,612,286 alleles (0.0011%); highest among the groups gnomAD compares: Non-Finnish European, 0.00034%; no homozygotes.

Submission:

CeGaT Center for Human Genetics Tuebingen
Classification: Likely benign. Last evaluated: 2025-05-01. Review status: criteria provided, single submitter. Criteria: CeGaT Center For Human Genetics Tuebingen Variant Classification Criteria Version 2. Collection method: clinical testing. Allele origin: germline. Affected: yes. Observed: 1 variant allele.
Comment: KDM6B: BP4, BP7

NM_001348716.2(KDM6B):c.2835G>A (p.Ala945=)

Gene: KDM6B (lysine demethylase 6B; plus strand). Cytogenetic location: 17p13.1.
Variant type: single nucleotide variant.
Coding change: c.2835G>A on transcript NM_001348716.2 (MANE Select); coding-DNA position 2835, G replaced by A.
Protein change: p.Ala945=; no amino-acid change (alanine 945 retained).
Molecular consequence: synonymous variant.
Genome position (GRCh38, 1-based): chr17:7,849,123, G>A. VCF-style: chr17-7849123-G-A. GRCh37 (hg19) VCF-style: chr17-7752441-G-A.
Other names: c.2835G>A, p.Ala945= (NM_001080424.2).
Identifiers: ClinVar variation 3906019 (VCV003906019.10).